The following is an entry in ClinVar:

NM_007294.4(BRCA1):c.1551dup (p.Ile518fs)

Gene: BRCA1 (BRCA1 DNA repair associated; minus strand). Cytogenetic location: 17q21.31.
Variant type: Duplication.
Coding change: c.1551dup on transcript NM_007294.4 (MANE Select); coding-DNA position 1551, one base duplicated (T; older notation c.1551dupT).
Protein change: p.Ile518fs; shifts the reading frame from isoleucine 518.
Molecular consequence: frameshift variant. On other transcripts: intron variant (137).
Genome position (GRCh38, 1-based): chr17:43,093,980, A duplicated on the plus strand (T on the coding strand, the reverse complement: BRCA1 is on the minus strand); the first of 4 consecutive A bases (chr17:43,093,980-43,093,983); duplicating any one gives the same sequence. VCF-style (leftmost placement, unchanged base first): chr17-43093979-T-TA. GRCh37 (hg19) VCF-style: chr17-41245996-T-TA.
Other names: c.1407dup, p.Ile470fs (NM_001407943.1, NM_001407964.1, NM_001407740.1 and 20 more transcripts); c.1410dup, p.Ile471fs (NM_001407944.1, NM_001407945.1, NM_007297.4 and 29 more transcripts); c.1218dup, p.Ile407fs (NM_001407946.1, NM_001407947.1, NM_001407948.1 and 6 more transcripts); c.1215dup, p.Ile406fs (NM_001407954.1, NM_001407955.1, NM_001407956.1 and 1 more transcripts); c.1170dup, p.Ile391fs (NM_001407959.1, NM_001407960.1, NM_001407963.1); c.1167dup, p.Ile390fs (NM_001407962.1); c.1047dup, p.Ile350fs (NM_001407965.1); c.663dup, p.Ile222fs (NM_001407966.1, NM_001407967.1); and 41 more; short protein forms I518fs, I471fs, I222fs, I429fs, I447fs, I476fs, I492fs, I350fs.
Identifiers: ClinVar variation 1775071 (VCV001775071.3), dbSNP rs80357630, ClinGen allele CA2580093803.

ClinVar aggregate classification (germline): Pathogenic (1 of 4 stars; one submission).

Conditions:
Hereditary cancer-predisposing syndrome. Also called: Hereditary Cancer Syndrome; Hereditary neoplastic syndrome; Neoplastic Syndromes, Hereditary; Tumor predisposition. Identifiers: Orphanet 140162, MedGen C0027672, MeSH D009386, MONDO:0015356.

Submission:

Ambry Genetics
Classification: Pathogenic for Hereditary cancer-predisposing syndrome. Last evaluated: 2024-05-27. Review status: criteria provided, single submitter. Criteria: Ambry Variant Classification Scheme 2023. Collection method: clinical testing. Allele origin: germline.
Comment: The c.1551dupT pathogenic mutation, located in coding exon 9 of the BRCA1 gene, results from a duplication of T at nucleotide position 1551, causing a translational frameshift with a predicted alternate stop codon (p.I518Yfs*13). This alteration is expected to result in loss of function by premature protein truncation or nonsense-mediated mRNA decay. As such, this alteration is interpreted as a disease-causing mutation.